The following is an entry in ClinVar:

ClinVar aggregate classification (germline): Uncertain significance (1 of 4 stars; one submission).

Submission:

GeneDx
Classification: Uncertain significance. Last evaluated: 2022-11-04. Review status: criteria provided, single submitter. Criteria: GeneDx Variant Classification Process June 2021. Collection method: clinical testing. Allele origin: germline. Affected: yes.
Comment: Not observed in large population cohorts (gnomAD); In silico analysis supports that this missense variant has a deleterious effect on protein structure/function; Has not been previously published as pathogenic or benign to our knowledge

NM_001145358.2(SIN3A):c.1403A>T (p.Asp468Val)

Gene: SIN3A (SIN3 transcription regulator family member A; minus strand). Cytogenetic location: 15q24.2.
Variant type: single nucleotide variant.
Coding change: c.1403A>T on transcript NM_001145358.2 (MANE Select); coding-DNA position 1403, A replaced by T.
Protein change: p.Asp468Val; replaces aspartic acid 468 with valine.
Molecular consequence: missense variant.
Genome position (GRCh38, 1-based): chr15:75,407,059, T>A on the plus strand (A>T on the coding strand, the complement: SIN3A is on the minus strand). VCF-style: chr15-75407059-T-A. GRCh37 (hg19) VCF-style: chr15-75699400-T-A.
Other names: c.1403A>T, p.Asp468Val (NM_001145357.2, NM_015477.3); short protein forms D468V.
Identifiers: ClinVar variation 3340815 (VCV003340815.1).